The following is an entry in ClinVar:

NM_133459.4(CCBE1):c.869C>T (p.Pro290Leu)

Gene: CCBE1 (collagen and calcium binding EGF domains 1; minus strand). Cytogenetic location: 18q21.32.
Variant type: single nucleotide variant.
Coding change: c.869C>T on transcript NM_133459.4 (MANE Select); coding-DNA position 869, C replaced by T.
Protein change: p.Pro290Leu; replaces proline 290 with leucine.
Molecular consequence: missense variant.
Genome position (GRCh38, 1-based): chr18:59,439,723, G>A on the plus strand (C>T on the coding strand, the complement: CCBE1 is on the minus strand). VCF-style: chr18-59439723-G-A. GRCh37 (hg19) VCF-style: chr18-57106955-G-A.
Other names: short protein forms P290L.
Identifiers: ClinVar variation 890300 (VCV000890300.8), dbSNP rs147681552, ClinGen allele CA8980308.

ClinVar aggregate classification (germline): Uncertain significance. Review status: criteria provided, multiple submitters, no conflicts (2 of 4 stars). 3 submissions from 3 submitters: Uncertain significance (3). Last evaluated 2024-01-29.

Conditions:
Hennekam lymphangiectasia-lymphedema syndrome 1 (HKLLS1). Also called: LYMPHATIC DYSPLASIA, GENERALIZED. Identifiers: Orphanet 2136, MedGen C4012050, MONDO:0009337, OMIM 235510.

Allele frequency attached by ClinVar (database versions not stated): 1000 Genomes Project 30x 0.00016; 1000 Genomes Project 0.00020; TOPMed 0.00029; ESP Exome Variant Server 0.00031; gnomAD 0.00038; gnomAD exomes 0.00049 and 0.00057; ExAC 0.00061.
gnomAD v4.1: 767 of 1,614,222 alleles (0.048%); highest among the groups gnomAD compares: Non-Finnish European, 0.056%; no homozygotes.

Submissions (3):

Labcorp Genetics (formerly Invitae), Labcorp
Classification: Uncertain significance. Last evaluated: 2024-01-29. Review status: criteria provided, single submitter. Criteria: Invitae Variant Classification Sherloc (09022015). Collection method: clinical testing. Allele origin: germline.
Comment: This sequence change replaces proline, which is neutral and non-polar, with leucine, which is neutral and non-polar, at codon 290 of the CCBE1 protein (p.Pro290Leu). This variant is present in population databases (rs147681552, gnomAD 0.2%), and has an allele count higher than expected for a pathogenic variant. This variant has not been reported in the literature in individuals affected with CCBE1-related conditions. ClinVar contains an entry for this variant (Variation ID: 890300). Advanced modeling of protein sequence and biophysical properties (such as structural, functional, and spatial information, amino acid conservation, physicochemical variation, residue mobility, and thermodynamic stability) performed at Invitae indicates that this missense variant is expected to disrupt CCBE1 protein function with a positive predictive value of 80%. In summary, the available evidence is currently insufficient to determine the role of this variant in disease. Therefore, it has been classified as a Variant of Uncertain Significance.

Department of Pathology and Laboratory Medicine, Sinai Health System
Classification: Uncertain significance for Hennekam lymphangiectasia-lymphedema syndrome 1. Last evaluated: 2023-03-31. Review status: criteria provided, single submitter. Criteria: ACMG Guidelines, 2015. Collection method: research. Allele origin: germline.

Illumina Laboratory Services, Illumina
Classification: Uncertain significance for Hennekam lymphangiectasia-lymphedema syndrome 1. Last evaluated: 2018-01-12. Review status: criteria provided, single submitter. Criteria: ICSL Variant Classification Criteria 13 December 2019. Collection method: clinical testing. Allele origin: germline.